The following is an entry in ClinVar:

NM_152594.3(SPRED1):c.73G>A (p.Asp25Asn)

Gene: SPRED1 (sprouty related EVH1 domain containing 1; plus strand). Cytogenetic location: 15q14.
Variant type: single nucleotide variant.
Coding change: c.73G>A on transcript NM_152594.3 (MANE Select); coding-DNA position 73, G replaced by A.
Protein change: p.Asp25Asn; replaces aspartic acid 25 with asparagine.
Molecular consequence: missense variant.
Genome position (GRCh38, 1-based): chr15:38,299,413, G>A. VCF-style: chr15-38299413-G-A. GRCh37 (hg19) VCF-style: chr15-38591614-G-A.
Other names: short protein forms D25N.
Identifiers: ClinVar variation 5030135 (VCV005030135.1).
Genomic context (GRCh38, chr15:38,299,413, plus strand): 5'-GATCTTTGCATCTATTTTAGTAATAGTTATGCACGAGTGCGAGCTGTGGTGATGACCCGA[G>A]ATGACTCAAGTGGTGGATGGTTACCACTTGGAGGGAGTGGACTAAGCAGCGTCACTGTCT-3'
Protein context (NP_689807.1, residues 15-35): ARVRAVVMTR[Asp25Asn]DSSGGWLPLG

ClinVar aggregate classification (germline): Uncertain significance (1 of 4 stars; one submission).

Conditions:
Cardiovascular phenotype. Identifiers: MedGen CN230736.

Submission:

Ambry Genetics
Classification: Uncertain significance for Cardiovascular phenotype. Last evaluated: 2026-09-03. Review status: criteria provided, single submitter. Criteria: Ambry Variant Classification Scheme 2023. Collection method: clinical testing. Allele origin: germline.
Comment: The p.D25N variant (also known as c.73G>A), located in coding exon 2 of the SPRED1 gene, results from a G to A substitution at nucleotide position 73. The aspartic acid at codon 25 is replaced by asparagine, an amino acid with highly similar properties. This amino acid position is conserved. In addition, the in silico prediction for this alteration is inconclusive. Based on the available evidence, the clinical significance of this variant remains unclear.